The following is an entry in ClinVar:

NM_006060.6(IKZF1):c.1087C>T (p.His363Tyr)

Gene: IKZF1 (IKAROS family zinc finger 1; plus strand). Cytogenetic location: 7p12.2.
Variant type: single nucleotide variant.
Coding change: c.1087C>T on transcript NM_006060.6 (MANE Select); coding-DNA position 1087, C replaced by T.
Protein change: p.His363Tyr; replaces histidine 363 with tyrosine.
Molecular consequence: missense variant.
Genome position (GRCh38, 1-based): chr7:50,400,154, C>T. VCF-style: chr7-50400154-C-T. GRCh37 (hg19) VCF-style: chr7-50467852-C-T.
Other names: c.961C>T, p.His321Tyr (NM_001220765.3, NM_001291837.2); c.796C>T, p.His266Tyr (NM_001220767.2); c.826C>T, p.His276Tyr (NM_001220768.2, NM_001291838.2); c.670C>T, p.His224Tyr (NM_001220770.2); c.658C>T, p.His220Tyr (NM_001220771.2, NM_001291841.1); c.700C>T, p.His234Tyr (NM_001291839.2); c.397C>T, p.His133Tyr (NM_001291840.1); c.628C>T, p.His210Tyr (NM_001291842.1); and 3 more; short protein forms H133Y, H168Y, H178Y, H210Y, H220Y, H224Y, H234Y, H266Y.
Identifiers: ClinVar variation 3345797 (VCV003345797.2).

ClinVar aggregate classification (germline): Uncertain significance. Review status: criteria provided, single submitter (1 of 4 stars). 2 submissions from 2 submitters: Uncertain significance (1). 1 of the submissions does not count toward it. Last evaluated 2024-03-20.

Conditions:
IKZF1-related disorder. Also called: IKZF1-related condition.

gnomAD v4.1: 5 of 1,562,732 alleles (0.00032%); highest among the groups gnomAD compares: Non-Finnish European, 0.00043%; no homozygotes.

Submissions (2):

GeneDx
Classification: Uncertain significance. Last evaluated: 2024-03-20. Review status: criteria provided, single submitter. Criteria: GeneDx Variant Classification Process June 2021. Collection method: clinical testing. Allele origin: germline. Affected: yes.
Comment: Not observed at significant frequency in large population cohorts (gnomAD); In silico analysis supports that this missense variant does not alter protein structure/function; Has not been previously published as pathogenic or benign to our knowledge

PreventionGenetics, part of Exact Sciences
Classification: Uncertain significance for IKZF1-related condition. Last evaluated: 2024-04-17. Review status: no assertion criteria provided. Collection method: clinical testing. Allele origin: germline. Not counted in ClinVar's aggregate classification.
Comment: The IKZF1 c.1087C>T variant is predicted to result in the amino acid substitution p.His363Tyr. To our knowledge, this variant has not been reported in the literature. This variant is reported in 0.0014% of alleles in individuals of European (Non-Finnish) descent in gnomAD. At this time, the clinical significance of this variant is uncertain due to the absence of conclusive functional and genetic evidence.